The following is an entry in ClinVar:

NM_007294.4(BRCA1):c.4442C>T (p.Ala1481Val)

Gene: BRCA1 (BRCA1 DNA repair associated; minus strand). Cytogenetic location: 17q21.31.
Variant type: single nucleotide variant.
Coding change: c.4442C>T on transcript NM_007294.4 (MANE Select); coding-DNA position 4442, C replaced by T.
Protein change: p.Ala1481Val; replaces alanine 1481 with valine.
Molecular consequence: missense variant. On other transcripts: non-coding transcript variant (1).
Genome position (GRCh38, 1-based): chr17:43,076,530, G>A on the plus strand (C>T on the coding strand, the complement: BRCA1 is on the minus strand). VCF-style: chr17-43076530-G-A. GRCh37 (hg19) VCF-style: chr17-41228547-G-A.
Other names: c.1133C>T, p.Ala378Val (NM_001407978.1, NM_001407976.1, NM_001407977.1 and 3 more transcripts); c.1130C>T, p.Ala377Val (NM_001407979.1, NM_001407980.1, NM_001407981.1 and 13 more transcripts); c.4058C>T, p.Ala1353Val (NM_001407962.1, NM_001407960.1); c.4055C>T, p.Ala1352Val (NM_001407963.1); c.1199C>T, p.Ala400Val (NM_001407971.1, NM_001407970.1); c.1196C>T, p.Ala399Val (NM_001407972.1); c.3551C>T, p.Ala1184Val (NM_001407967.1); c.1838C>T, p.Ala613Val (NM_001407968.1); and 68 more; short protein forms A1502V, A377V, A1434V, A1481V, A1353V, A1354V, A1370V, A1410V.
Identifiers: ClinVar variation 946648 (VCV000946648.13), dbSNP rs2052726464, ClinGen allele CA10592650.

ClinVar aggregate classification (germline): Uncertain significance. Review status: criteria provided, multiple submitters, no conflicts (2 of 4 stars). 2 submissions from 2 submitters: Uncertain significance (2). Last evaluated 2022-05-14.

Conditions:
Hereditary breast ovarian cancer syndrome. Also called: Hereditary breast and/or ovarian cancer syndrome; Hereditary breast and ovarian cancer syndrome; Hereditary breast and ovarian cancer syndrome (HBOC); Breast and ovarian cancer; BRCA1- and BRCA2-Associated Hereditary Breast and Ovarian Cancer; Hereditary breast and ovarian cancer. Identifiers: Orphanet 145, MedGen C0677776, MeSH D061325, MONDO:0003582. Disease mechanism: loss of function.
Hereditary cancer-predisposing syndrome. Also called: Hereditary neoplastic syndrome; Neoplastic Syndromes, Hereditary; Tumor predisposition; Hereditary Cancer Syndrome. Identifiers: Orphanet 140162, MedGen C0027672, MeSH D009386, MONDO:0015356.

Submissions (2):

Labcorp Genetics (formerly Invitae), Labcorp
Classification: Uncertain significance for Hereditary breast ovarian cancer syndrome. Last evaluated: 2022-05-14. Review status: criteria provided, single submitter. Criteria: Invitae Variant Classification Sherloc (09022015). Collection method: clinical testing. Allele origin: germline.
Comment: In summary, the available evidence is currently insufficient to determine the role of this variant in disease. Therefore, it has been classified as a Variant of Uncertain Significance. Algorithms developed to predict the effect of sequence changes on RNA splicing suggest that this variant may disrupt the consensus splice site. Advanced modeling of protein sequence and biophysical properties (such as structural, functional, and spatial information, amino acid conservation, physicochemical variation, residue mobility, and thermodynamic stability) performed at Invitae indicates that this missense variant is not expected to disrupt BRCA1 protein function. ClinVar contains an entry for this variant (Variation ID: 946648). This variant has not been reported in the literature in individuals affected with BRCA1-related conditions. This variant is not present in population databases (gnomAD no frequency). This sequence change replaces alanine, which is neutral and non-polar, with valine, which is neutral and non-polar, at codon 1481 of the BRCA1 protein (p.Ala1481Val).

Ambry Genetics
Classification: Uncertain significance for Hereditary cancer-predisposing syndrome. Last evaluated: 2021-08-11. Review status: criteria provided, single submitter. Criteria: Ambry Variant Classification Scheme 2023. Collection method: clinical testing. Allele origin: germline.
Comment: The p.A1481V variant (also known as c.4442C>T), located in coding exon 12 of the BRCA1 gene, results from a C to T substitution at nucleotide position 4442. The alanine at codon 1481 is replaced by valine, an amino acid with similar properties. This amino acid position is conserved. In addition, this alteration is predicted to be tolerated by in silico analysis. Since supporting evidence is limited at this time, the clinical significance of this alteration remains unclear.